The following is an entry in ClinVar:

NM_001756.4(SERPINA6):c.28C>T (p.Leu10Phe)

Gene: SERPINA6 (serpin family A member 6; minus strand). Cytogenetic location: 14q32.13.
Variant type: single nucleotide variant.
Coding change: c.28C>T on transcript NM_001756.4 (MANE Select); coding-DNA position 28, C replaced by T.
Protein change: p.Leu10Phe; replaces leucine 10 with phenylalanine.
Molecular consequence: missense variant.
Genome position (GRCh38, 1-based): chr14:94,314,621, G>A on the plus strand (C>T on the coding strand, the complement: SERPINA6 is on the minus strand). VCF-style: chr14-94314621-G-A. GRCh37 (hg19) VCF-style: chr14-94780958-G-A.
Other names: short protein forms L10F.
Identifiers: ClinVar variation 4278774 (VCV004278774.1).

ClinVar aggregate classification (germline): Uncertain significance (1 of 4 stars; one submission).

Submission:

GeneDx
Classification: Uncertain significance. Last evaluated: 2025-04-02. Review status: criteria provided, single submitter. Criteria: GeneDx Variant Classification Process June 2021. Collection method: clinical testing. Allele origin: germline. Affected: yes.
Comment: Not observed at significant frequency in large population cohorts (gnomAD); In silico analysis indicates that this missense variant does not alter protein structure/function; Has not been previously published as pathogenic or benign to our knowledge